The following is an entry in ClinVar:

ClinVar aggregate classification (germline): Uncertain significance (1 of 4 stars; one submission).

Conditions:
TTN-related disorder. Also called: TTN-related condition; TTN-related disease; TTN-related disorders.

gnomAD v4.1: 46 of 1,607,972 alleles (0.0029%); highest among the groups gnomAD compares: Non-Finnish European, 0.0037%; no homozygotes.

Submission:

PreventionGenetics, part of Exact Sciences
Classification: Uncertain significance for TTN-related condition. Last evaluated: 2026-06-23. Review status: criteria provided, single submitter. Criteria: ACMG Guidelines, 2015. Collection method: clinical testing. Allele origin: germline.
Comment: The TTN c.29144C>G variant is predicted to result in the amino acid substitution p.Ala9715Gly. To our knowledge, this variant has not been reported in the literature. This variant is reported in 0.0080% of alleles in individuals of European (Non-Finnish) descent in gnomAD. At this time, the clinical significance of this variant is uncertain due to the absence of conclusive functional and genetic evidence.

NM_001267550.2(TTN):c.29144C>G (p.Ala9715Gly)

Gene: TTN (titin; minus strand). Cytogenetic location: 2q31.2.
Variant type: single nucleotide variant.
Coding change: c.29144C>G on transcript NM_001267550.2 (MANE Select); coding-DNA position 29144, C replaced by G.
Protein change: p.Ala9715Gly; replaces alanine 9715 with glycine.
Molecular consequence: missense variant. On other transcripts: intron variant (3).
Genome position (GRCh38, 1-based): chr2:178,706,730, G>C on the plus strand (C>G on the coding strand, the complement: TTN is on the minus strand). VCF-style: chr2-178706730-G-C. GRCh37 (hg19) VCF-style: chr2-179571457-G-C.
Other names: c.28193C>G, p.Ala9398Gly (NM_001256850.1); c.25412C>G, p.Ala8471Gly (NM_133378.4); c.13282+31352C>G (NM_003319.4); c.13858+31352C>G (NM_133437.4); c.13657+31352C>G (NM_133432.3); short protein forms A9715G, A8471G, A9398G.
Identifiers: ClinVar variation 4977142 (VCV004977142.1).